The following is an entry in ClinVar:

NM_001099922.3(ALG13):c.3184C>T (p.His1062Tyr)

Gene: ALG13 (ALG13 UDP-N-acetylglucosaminyltransferase subunit; plus strand). Cytogenetic location: Xq23.
Variant type: single nucleotide variant.
Coding change: c.3184C>T on transcript NM_001099922.3 (MANE Select); coding-DNA position 3184, C replaced by T.
Protein change: p.His1062Tyr; replaces histidine 1062 with tyrosine.
Molecular consequence: missense variant. On other transcripts: non-coding transcript variant (1).
Genome position (GRCh38, 1-based): chrX:111,759,769, C>T. VCF-style: chrX-111759769-C-T. GRCh37 (hg19) VCF-style: chrX-111002997-C-T.
Other names: c.2635C>T, p.His879Tyr (NM_001257230.2, NM_001257234.2, NM_001257237.2); c.2950C>T, p.His984Tyr (NM_001257231.2); c.2947C>T, p.His983Tyr (NM_001324292.2); c.2461C>T, p.His821Tyr (NM_001324293.1); short protein forms H984Y, H1062Y, H821Y, H879Y, H983Y.
Identifiers: ClinVar variation 1414326 (VCV001414326.3), dbSNP rs750471213, ClinGen allele CA10494061.

ClinVar aggregate classification (germline): Uncertain significance (1 of 4 stars; one submission).

Conditions:
Developmental and epileptic encephalopathy, 36 (DEE36). Also called: ALG13-CDG; Congenital disorder of glycosylation, type Is; Epileptic encephalopathy, early infantile, 36. Identifiers: Orphanet 324422, MedGen C4317295, MONDO:0010472, OMIM 300884.

Allele frequency attached by ClinVar (database versions not stated): gnomAD exomes below 0.00001; gnomAD 0.00001; ExAC 0.00002; 1000 Genomes Project 30x 0.00021; 1000 Genomes Project 0.00026.
gnomAD v4.1: 2 of 1,206,286 alleles (0.00017%); highest among the groups gnomAD compares: South Asian, 0.0036%; no homozygotes.

Submission:

Labcorp Genetics (formerly Invitae), Labcorp
Classification: Uncertain significance for Developmental and epileptic encephalopathy, 36. Last evaluated: 2022-05-06. Review status: criteria provided, single submitter. Criteria: Invitae Variant Classification Sherloc (09022015). Collection method: clinical testing. Allele origin: germline.
Comment: This sequence change replaces histidine, which is basic and polar, with tyrosine, which is neutral and polar, at codon 879 of the ALG13 protein (p.His879Tyr). This variant is present in population databases (rs750471213, gnomAD 0.006%). This variant has not been reported in the literature in individuals affected with ALG13-related conditions. Algorithms developed to predict the effect of missense changes on protein structure and function (SIFT, PolyPhen-2, Align-GVGD) all suggest that this variant is likely to be tolerated. In summary, the available evidence is currently insufficient to determine the role of this variant in disease. Therefore, it has been classified as a Variant of Uncertain Significance.